The following is an entry in ClinVar:

NM_153365.3(TAPT1):c.365C>T (p.Ala122Val)

Gene: TAPT1 (transmembrane anterior posterior transformation 1; minus strand). Cytogenetic location: 4p15.32.
Variant type: single nucleotide variant.
Coding change: c.365C>T on transcript NM_153365.3 (MANE Select); coding-DNA position 365, C replaced by T.
Protein change: p.Ala122Val; replaces alanine 122 with valine.
Molecular consequence: missense variant.
Genome position (GRCh38, 1-based): chr4:16,202,546, G>A on the plus strand (C>T on the coding strand, the complement: TAPT1 is on the minus strand). VCF-style: chr4-16202546-G-A. GRCh37 (hg19) VCF-style: chr4-16204169-G-A.
Other names: c.365C>T (NM_153365.2); short protein forms A122V.
Identifiers: ClinVar variation 2193185 (VCV002193185.3), dbSNP rs758122967, ClinGen allele CA2867533.

ClinVar aggregate classification (germline): Uncertain significance. Review status: criteria provided, multiple submitters, no conflicts (2 of 4 stars). 2 submissions from 2 submitters: Uncertain significance (2). Last evaluated 2023-07-12.

Conditions:
Inborn genetic diseases. Identifiers: MedGen C0950123, MeSH D030342.

Allele frequency attached by ClinVar (database versions not stated): gnomAD exomes 0.00002; gnomAD 0.00003; ExAC 0.00021.
gnomAD v4.1: 38 of 1,547,746 alleles (0.0025%); highest among the groups gnomAD compares: South Asian, 0.025%; no homozygotes.

Submissions (2):

Ambry Genetics
Classification: Uncertain significance for Inborn genetic diseases. Last evaluated: 2023-07-12. Review status: criteria provided, single submitter. Criteria: Ambry Variant Classification Scheme 2023. Collection method: clinical testing. Allele origin: germline.

Labcorp Genetics (formerly Invitae), Labcorp
Classification: Uncertain significance. Last evaluated: 2022-02-22. Review status: criteria provided, single submitter. Criteria: Invitae Variant Classification Sherloc (09022015). Collection method: clinical testing. Allele origin: germline.
Comment: This sequence change replaces alanine, which is neutral and non-polar, with valine, which is neutral and non-polar, at codon 122 of the TAPT1 protein (p.Ala122Val). This variant is present in population databases (rs758122967, gnomAD 0.03%). This variant has not been reported in the literature in individuals affected with TAPT1-related conditions. Algorithms developed to predict the effect of missense changes on protein structure and function are either unavailable or do not agree on the potential impact of this missense change (SIFT: "Deleterious"; PolyPhen-2: "Benign"; Align-GVGD: "Class C0"). In summary, the available evidence is currently insufficient to determine the role of this variant in disease. Therefore, it has been classified as a Variant of Uncertain Significance.